The following is an entry in ClinVar:

NM_017636.3(TRPM4):c.-235A>G

Gene: TRPM4 (transient receptor potential cation channel subfamily M member 4; plus strand). Cytogenetic location: 19q13.33.
Variant type: single nucleotide variant.
Coding change: c.-235A>G on transcript NM_017636.3; 235 bases upstream of the start codon, A replaced by G.
Genome position (GRCh38, 1-based): chr19:49,157,632, A>G. VCF-style: chr19-49157632-A-G. GRCh37 (hg19) VCF-style: chr19-49660889-A-G.
Identifiers: ClinVar variation 674827 (VCV000674827.4), dbSNP rs3760662, ClinGen allele CA14691733.

ClinVar aggregate classification (germline): Benign. Review status: criteria provided, multiple submitters, no conflicts (2 of 4 stars). 2 submissions from 2 submitters: Benign (2). Last evaluated 2018-06-19.

Allele frequency attached by ClinVar (database versions not stated): 1000 Genomes Project 30x 0.42770; gnomAD 0.44334 and 0.44396; 1000 Genomes Project 0.42532; gnomAD exomes 0.44664; TOPMed 0.44761.

Submissions (2):

GeneDx
Classification: Benign. Last evaluated: 2018-06-19. Review status: criteria provided, single submitter. Criteria: GeneDx Variant Classification (06012015). Collection method: clinical testing. Allele origin: germline. Affected: yes.
Comment: This variant is considered likely benign or benign based on one or more of the following criteria: it is a conservative change, it occurs at a poorly conserved position in the protein, it is predicted to be benign by multiple in silico algorithms, and/or has population frequency not consistent with disease.

Breakthrough Genomics
Classification: Benign. Review status: criteria provided, single submitter. Criteria: ACMG Guidelines, 2015. Collection method: not provided. Allele origin: germline. Inheritance: Autosomal dominant inheritance. Affected: yes.